The following is an entry in ClinVar:

ClinVar aggregate classification (germline): Uncertain significance. Review status: criteria provided, multiple submitters, no conflicts (2 of 4 stars). 2 submissions from 2 submitters: Uncertain significance (2). Last evaluated 2025-03-05.

Conditions:
Inborn genetic diseases. Identifiers: MedGen C0950123, MeSH D030342.

Allele frequency attached by ClinVar (database versions not stated): gnomAD exomes 0.00001; gnomAD 0.00002; TOPMed 0.00002; ExAC 0.00012.
gnomAD v4.1: 15 of 1,604,302 alleles (0.00093%); highest among the groups gnomAD compares: East Asian, 0.032%; no homozygotes.

Submissions (2):

Ambry Genetics
Classification: Uncertain significance for Inborn genetic diseases. Last evaluated: 2025-03-05. Review status: criteria provided, single submitter. Criteria: Ambry Variant Classification Scheme 2023. Collection method: clinical testing. Allele origin: germline.

Labcorp Genetics (formerly Invitae), Labcorp
Classification: Uncertain significance. Last evaluated: 2022-01-03. Review status: criteria provided, single submitter. Criteria: Invitae Variant Classification Sherloc (09022015). Collection method: clinical testing. Allele origin: germline.
Comment: In summary, the available evidence is currently insufficient to determine the role of this variant in disease. Therefore, it has been classified as a Variant of Uncertain Significance. Algorithms developed to predict the effect of missense changes on protein structure and function are either unavailable or do not agree on the potential impact of this missense change (SIFT: "Deleterious"; PolyPhen-2: "Probably Damaging"; Align-GVGD: "Class C15"). This variant has not been reported in the literature in individuals affected with FAT1-related conditions. This variant is present in population databases (rs766956468, gnomAD 0.1%). This sequence change replaces asparagine, which is neutral and polar, with aspartic acid, which is acidic and polar, at codon 3055 of the FAT1 protein (p.Asn3055Asp).

NM_005245.4(FAT1):c.9163A>G (p.Asn3055Asp)

Gene: FAT1 (FAT atypical cadherin 1; minus strand). Cytogenetic location: 4q35.2.
Variant type: single nucleotide variant.
Coding change: c.9163A>G on transcript NM_005245.4 (MANE Select); coding-DNA position 9163, A replaced by G.
Protein change: p.Asn3055Asp; replaces asparagine 3055 with aspartic acid.
Molecular consequence: missense variant.
Genome position (GRCh38, 1-based): chr4:186,614,257, T>C on the plus strand (A>G on the coding strand, the complement: FAT1 is on the minus strand). VCF-style: chr4-186614257-T-C. GRCh37 (hg19) VCF-style: chr4-187535411-T-C.
Other names: c.9163A>G (NM_005245.3); short protein forms N3055D.
Identifiers: ClinVar variation 2177239 (VCV002177239.3), dbSNP rs766956468, ClinGen allele CA3165717.